The following is an entry in ClinVar:

ClinVar aggregate classification (germline): Benign/Likely benign. Review status: criteria provided, multiple submitters, no conflicts (2 of 4 stars). 3 submissions from 3 submitters: Benign (1); Likely benign (2). Last evaluated 2024-06-21.

Conditions:
Hereditary cancer-predisposing syndrome. Also called: Neoplastic Syndromes, Hereditary; Hereditary neoplastic syndrome; Tumor predisposition; Hereditary Cancer Syndrome. Identifiers: Orphanet 140162, MedGen C0027672, MeSH D009386, MONDO:0015356.
Ataxia-telangiectasia syndrome (AT). Also called: Ataxia telangiectasia (A-T); Cerebello-oculocutaneous telangiectasia; Immunodeficiency with ataxia telangiectasia; LOUIS-BAR SYNDROME; AT, COMPLEMENTATION GROUP C; ATAXIA-TELANGIECTASIA, FRESNO VARIANT. Identifiers: Orphanet 100, MedGen C0004135, MONDO:0008840, OMIM 208900.
Familial cancer of breast. Also called: hereditary breast carcinoma; Hereditary breast cancer; BREAST CANCER, FAMILIAL. Identifiers: Orphanet 227535, MedGen C0346153, MONDO:0016419, OMIM 114480. Disease mechanism: loss of function.

Submissions (3):

Myriad Genetics, Inc.
Classification: Benign for Familial cancer of breast. Last evaluated: 2024-06-21. Review status: criteria provided, single submitter. Criteria: Myriad Autosomal Dominant, Autosomal Recessive and X-Linked Classification Criteria (2023). Collection method: clinical testing. Allele origin: unknown.
Comment: This variant is considered benign. This variant is a silent/synonymous amino acid change and it is not expected to impact splicing.

Labcorp Genetics (formerly Invitae), Labcorp
Classification: Likely benign for Ataxia-telangiectasia syndrome. Last evaluated: 2022-03-25. Review status: criteria provided, single submitter. Criteria: Invitae Variant Classification Sherloc (09022015). Collection method: clinical testing. Allele origin: germline.

Ambry Genetics
Classification: Likely benign for Hereditary cancer-predisposing syndrome. Last evaluated: 2016-09-09. Review status: criteria provided, single submitter. Criteria: Ambry Variant Classification Scheme 2023. Collection method: clinical testing. Allele origin: germline.

NM_000051.4(ATM):c.8853C>G (p.Val2951=)

Genes: ATM (ATM serine/threonine kinase; plus strand), C11orf65 (chromosome 11 open reading frame 65; minus strand). Cytogenetic location: 11q22.3.
Variant type: single nucleotide variant.
Coding change: c.8853C>G on transcript NM_000051.4 (MANE Select); coding-DNA position 8853, C replaced by G.
Protein change: p.Val2951=; no amino-acid change (valine 2951 retained).
Molecular consequence: synonymous variant. On other transcripts: intron variant (2).
Genome position (GRCh38, 1-based): chr11:108,365,084, C>G. VCF-style: chr11-108365084-C-G. GRCh37 (hg19) VCF-style: chr11-108235811-C-G.
Other names: c.8853C>G, p.Val2951= (NM_001351834.2); c.640+20836G>C (NM_001330368.2); c.694+20836G>C (NM_001351110.2).
Identifiers: ClinVar variation 236794 (VCV000236794.17), dbSNP rs878853552, ClinGen allele CA10582864.